The following is an entry in ClinVar:

NM_001079802.2(FKTN):c.1172+1G>A

Gene: FKTN (fukutin; plus strand). Cytogenetic location: 9q31.2.
Variant type: single nucleotide variant.
Coding change: c.1172+1G>A on transcript NM_001079802.2 (MANE Select); the canonical splice donor site of the intron after coding-DNA position 1172, G replaced by A.
Molecular consequence: splice donor variant. On other transcripts: synonymous variant (1).
Genome position (GRCh38, 1-based): chr9:105,620,062, G>A. VCF-style: chr9-105620062-G-A. GRCh37 (hg19) VCF-style: chr9-108382343-G-A.
Other names: c.1173G>A, p.Lys391= (NM_001351498.2); c.1172+1G>A (NM_006731.2, NM_001351496.2, NM_001198963.2); c.776+1G>A (NM_001351502.2, NM_001351499.2, NM_001351500.2 and 1 more transcripts); c.1103+1G>A (NM_001351497.2).
Identifiers: ClinVar variation 558161 (VCV000558161.9), dbSNP rs1554761462, ClinGen allele CA374377990.

ClinVar aggregate classification (germline): Pathogenic/Likely pathogenic. Review status: criteria provided, multiple submitters, no conflicts (2 of 4 stars). 3 submissions from 3 submitters: Pathogenic (1); Likely pathogenic (1). 1 of the submissions does not count toward it. Last evaluated 2025-11-10.

Conditions:
Muscular dystrophy-dystroglycanopathy (congenital with brain and eye anomalies), type A, 4 (MDDGA4). Also called: Congenital muscular dystrophy-dystroglycanopathy with brain and eye anomalies, type A4; Walker-Warburg Syndrome, Fktn-Related; Muscular dystrophy, congenital progressive, with mental retardation; Muscular dystrophy, congenital, with central nervous system involvement; Cerebromuscular dystrophy, Fukuyama type; Fukuyama congenital muscular dystrophy. Identifiers: Orphanet 272, Orphanet 588, Orphanet 899, MedGen C0410174, MONDO:0009678, OMIM 253800.
Dilated cardiomyopathy 1X (CMD1X). Also called: FKTN-Related Dilated Cardiomyopathy; CARDIOMYOPATHY, DILATED, WITH MILD OR NO PROXIMAL MUSCLE WEAKNESS. Identifiers: Orphanet 154, MedGen C1969024, MONDO:0012704, OMIM 611615.
Walker-Warburg congenital muscular dystrophy. Also called: Muscular dystrophy-dystroglycanopathy, type A; Walker-Warburg syndrome. Identifiers: Orphanet 899, MedGen C0265221, MONDO:0000171.

gnomAD v4.1: 4 of 1,608,864 alleles (0.00025%); highest among the groups gnomAD compares: Non-Finnish European, 0.000085%; no homozygotes.

Submissions (3):

Labcorp Genetics (formerly Invitae), Labcorp
Classification: Pathogenic for Walker-Warburg congenital muscular dystrophy. Last evaluated: 2025-11-10. Review status: criteria provided, single submitter. Criteria: Invitae Variant Classification Sherloc (09022015). Collection method: clinical testing. Allele origin: germline.
Comment: This sequence change affects a donor splice site in intron 10 of the FKTN gene. While this variant is not anticipated to result in nonsense mediated decay, it likely alters RNA splicing and results in a disrupted protein product. This variant is not present in population databases (gnomAD no frequency). This variant has not been reported in the literature in individuals affected with FKTN-related conditions. ClinVar contains an entry for this variant (Variation ID: 558161). Variants that disrupt the consensus splice site are a relatively common cause of aberrant splicing (PMID: 17576681, 9536098). Algorithms developed to predict the effect of sequence changes on RNA splicing suggest that this variant may disrupt the consensus splice site. This variant disrupts a region of the FKTN protein in which other variant(s) (p.Tyr392*) have been determined to be pathogenic (PMID: 18752264, 22522420). This suggests that this is a clinically significant region of the protein, and that variants that disrupt it are likely to be disease-causing. For these reasons, this variant has been classified as Pathogenic.

Baylor Genetics
Classification: Likely pathogenic for Dilated cardiomyopathy 1X. Last evaluated: 2022-04-21. Review status: criteria provided, single submitter. Criteria: ACMG Guidelines, 2015. Collection method: clinical testing. Allele origin: unknown.

Counsyl
Classification: Likely pathogenic for Muscular dystrophy-dystroglycanopathy (congenital with brain and eye anomalies), type A, 4. Last evaluated: 2018-05-02. Review status: no assertion criteria provided. Collection method: clinical testing. Allele origin: unknown. Not counted in ClinVar's aggregate classification.

Literature cited by the submitters: PubMed 17576681 (cited by Labcorp Genetics (formerly Invitae), Labcorp); PubMed 9536098 (cited by Labcorp Genetics (formerly Invitae), Labcorp); PubMed 18752264 (cited by Labcorp Genetics (formerly Invitae), Labcorp); PubMed 22522420 (cited by Labcorp Genetics (formerly Invitae), Labcorp).